The following is an entry in ClinVar:

NM_015937.6(PIGT):c.1034-18T>C

Gene: PIGT (phosphatidylinositol glycan anchor biosynthesis class T; plus strand). Cytogenetic location: 20q13.12.
Variant type: single nucleotide variant.
Coding change: c.1034-18T>C on transcript NM_015937.6 (MANE Select); 18 bases into the intron before coding-DNA position 1034, T replaced by C.
Molecular consequence: intron variant.
Genome position (GRCh38, 1-based): chr20:45,421,365, T>C. VCF-style: chr20-45421365-T-C. GRCh37 (hg19) VCF-style: chr20-44050005-T-C.
Other names: c.1033+672T>C (NM_001184729.3); c.866-18T>C (NM_001184728.3); c.728-18T>C (NM_001184730.3).
Identifiers: ClinVar variation 1331558 (VCV001331558.4), dbSNP rs2145454497, ClinGen allele CA2573054874.

ClinVar aggregate classification (germline): Uncertain significance (1 of 4 stars; one submission).

Allele frequency attached by ClinVar (database versions not stated): gnomAD exomes below 0.00001.
gnomAD v4.1: 2 of 1,605,650 alleles (0.00012%); highest among the groups gnomAD compares: Admixed American, 0.0017%; no homozygotes.

Submission:

Greenwood Genetic Center Diagnostic Laboratories, Greenwood Genetic Center
Classification: Uncertain significance. Last evaluated: 2020-12-29. Review status: criteria provided, single submitter. Criteria: ACMG Guidelines, 2015. Collection method: clinical testing. Allele origin: germline. Affected: yes.
Comment: PM2